The following is an entry in ClinVar:

NM_005629.4(SLC6A8):c.1369A>G (p.Ile457Val)

Gene: SLC6A8 (solute carrier family 6 member 8; plus strand). Cytogenetic location: Xq28.
Variant type: single nucleotide variant.
Coding change: c.1369A>G on transcript NM_005629.4 (MANE Select); coding-DNA position 1369, A replaced by G.
Protein change: p.Ile457Val; replaces isoleucine 457 with valine.
Molecular consequence: missense variant.
Genome position (GRCh38, 1-based): chrX:153,694,244, A>G. VCF-style: chrX-153694244-A-G. GRCh37 (hg19) VCF-style: chrX-152959699-A-G.
Other names: c.1339A>G, p.Ile447Val (NM_001142805.2); c.1024A>G, p.Ile342Val (NM_001142806.1); short protein forms I342V, I447V, I457V.
Identifiers: ClinVar variation 5009177 (VCV005009177.1).

ClinVar aggregate classification (germline): Uncertain significance (1 of 4 stars; one submission).

Submission:

GeneDx
Classification: Uncertain significance. Last evaluated: 2026-03-17. Review status: criteria provided, single submitter. Criteria: GeneDx Variant Classification Process June 2021. Collection method: clinical testing. Allele origin: germline.
Comment: Not observed at significant frequency in large population cohorts (gnomAD); In silico analysis suggests that this missense variant does not alter protein structure/function; Has not been previously published as pathogenic or benign to our knowledge